The following is an entry in ClinVar:

NM_005591.4(MRE11):c.494G>A (p.Ser165Asn)

Gene: MRE11 (MRE11 double strand break repair nuclease; minus strand). Cytogenetic location: 11q21.
Variant type: single nucleotide variant.
Coding change: c.494G>A on transcript NM_005591.4 (MANE Select); coding-DNA position 494, G replaced by A.
Protein change: p.Ser165Asn; replaces serine 165 with asparagine.
Molecular consequence: missense variant.
Genome position (GRCh38, 1-based): chr11:94,478,785, C>T on the plus strand (G>A on the coding strand, the complement: MRE11 is on the minus strand). VCF-style: chr11-94478785-C-T. GRCh37 (hg19) VCF-style: chr11-94211951-C-T.
Other names: c.494G>A, p.Ser165Asn (NM_001330347.2, NM_005590.4); short protein forms S165N.
Identifiers: ClinVar variation 1800300 (VCV001800300.2), dbSNP rs2135085258, ClinGen allele CA382377424.
Genomic context (GRCh38, chr11:94,478,785, plus strand): 5'-ACTGTCTTACCTAAACCATATAGCGCAATCTTTGTGCTTCCTTTTTGAAGCAAAACCGGA[C>T]TAATGTCTATCTTCTCCACAGACATTGAACGTCCAAAGTGATTTACAAATCCAGCACAAC-3'
Protein context (NP_005582.1, residues 155-175): RSMSVEKIDI[Ser165Asn]PVLLQKGSTK

ClinVar aggregate classification (germline): Uncertain significance (1 of 4 stars; one submission).

Conditions:
Hereditary cancer-predisposing syndrome. Also called: Neoplastic Syndromes, Hereditary; Tumor predisposition; Hereditary Cancer Syndrome; Hereditary neoplastic syndrome. Identifiers: Orphanet 140162, MedGen C0027672, MeSH D009386, MONDO:0015356.

Submission:

Ambry Genetics
Classification: Uncertain significance for Hereditary cancer-predisposing syndrome. Last evaluated: 2020-06-04. Review status: criteria provided, single submitter. Criteria: Ambry Variant Classification Scheme 2023. Collection method: clinical testing. Allele origin: germline.
Comment: The p.S165N variant (also known as c.494G>A), located in coding exon 5 of the MRE11A gene, results from a G to A substitution at nucleotide position 494. The serine at codon 165 is replaced by asparagine, an amino acid with highly similar properties. This amino acid position is highly conserved in available vertebrate species. In addition, this alteration is predicted to be tolerated by in silico analysis. Since supporting evidence is limited at this time, the clinical significance of this alteration remains unclear.